The following is an entry in ClinVar:

NM_032242.4(PLXNA1):c.3321G>A (p.Pro1107=)

Gene: PLXNA1 (plexin A1; plus strand). Cytogenetic location: 3q21.3.
Variant type: single nucleotide variant.
Coding change: c.3321G>A on transcript NM_032242.4 (MANE Select); coding-DNA position 3321, G replaced by A.
Protein change: p.Pro1107=; no amino-acid change (proline 1107 retained).
Molecular consequence: synonymous variant.
Genome position (GRCh38, 1-based): chr3:127,017,469, G>A. VCF-style: chr3-127017469-G-A. GRCh37 (hg19) VCF-style: chr3-126736312-G-A.
Identifiers: ClinVar variation 4984504 (VCV004984504.1).

ClinVar aggregate classification (germline): Likely benign (1 of 4 stars; one submission).

Conditions:
PLXNA1-related disorder. Also called: PLXNA1-related condition.

gnomAD v4.1: 21 of 1,613,226 alleles (0.0013%); highest among the groups gnomAD compares: African/African-American, 0.0053%; no homozygotes.

Submission:

PreventionGenetics, part of Exact Sciences
Classification: Likely benign for PLXNA1-related condition. Last evaluated: 2025-02-09. Review status: criteria provided, single submitter. Criteria: ACMG Guidelines, 2015. Collection method: clinical testing. Allele origin: germline.
Comment: This variant is classified as likely benign based on ACMG/AMP sequence variant interpretation guidelines (Richards et al. 2015 PMID: 25741868, with internal and published modifications).